The following is an entry in ClinVar:

ClinVar aggregate classification (germline): Uncertain significance (1 of 4 stars; one submission).

Conditions:
Congenital myasthenic syndrome 20. Also called: Myasthenic syndrome, congenital, 20, presynaptic. Identifiers: MedGen C4310694, MONDO:0014939, OMIM 617143.
Neuronopathy, distal hereditary motor, type 7A. Also called: Neuronopathy, distal hereditary motor, type viia; HARPER-YOUNG MYOPATHY; HMN VIIA; SPINAL MUSCULAR ATROPHY, DISTAL, WITH VOCAL CORD PARALYSIS; NEURONOPATHY, DISTAL HEREDITARY MOTOR, HARDING TYPE VIIA; NEUROPATHY, DISTAL HEREDITARY MOTOR, HARDING TYPE VIIA. Identifiers: Orphanet 139589, MedGen C1834703, MONDO:0008024, OMIM 158580.

Submission:

Labcorp Genetics (formerly Invitae), Labcorp
Classification: Uncertain significance for Neuronopathy, distal hereditary motor, type 7A; Congenital myasthenic syndrome 20. Last evaluated: 2022-03-28. Review status: criteria provided, single submitter. Criteria: Invitae Variant Classification Sherloc (09022015). Collection method: clinical testing. Allele origin: germline.
Comment: In summary, the available evidence is currently insufficient to determine the role of this variant in disease. Therefore, it has been classified as a Variant of Uncertain Significance. Algorithms developed to predict the effect of missense changes on protein structure and function are either unavailable or do not agree on the potential impact of this missense change (SIFT: "Deleterious"; PolyPhen-2: "Possibly Damaging"; Align-GVGD: "Class C0"). This variant has not been reported in the literature in individuals affected with SLC5A7-related conditions. This variant is not present in population databases (gnomAD no frequency). This sequence change replaces methionine, which is neutral and non-polar, with threonine, which is neutral and polar, at codon 126 of the SLC5A7 protein (p.Met126Thr).

NM_021815.5(SLC5A7):c.377T>C (p.Met126Thr)

Gene: SLC5A7 (solute carrier family 5 member 7; plus strand). Cytogenetic location: 2q12.3.
Variant type: single nucleotide variant.
Coding change: c.377T>C on transcript NM_021815.5 (MANE Select); coding-DNA position 377, T replaced by C.
Protein change: p.Met126Thr; replaces methionine 126 with threonine.
Molecular consequence: missense variant. On other transcripts: 5 prime UTR variant (1).
Genome position (GRCh38, 1-based): chr2:107,993,056, T>C. VCF-style: chr2-107993056-T-C. GRCh37 (hg19) VCF-style: chr2-108609512-T-C.
Other names: c.377T>C, p.Met126Thr (NM_001305005.3); c.62T>C, p.Met21Thr (NM_001305006.3); c.-328T>C (NM_001305007.3); short protein forms M126T, M21T.
Identifiers: ClinVar variation 2118686 (VCV002118686.4), dbSNP rs2467065259, ClinGen allele CA348020847.
Genomic context (GRCh38, chr2:107,993,056, plus strand): 5'-TGCGTTCAAAGGGGTATGTGACCATGTTAGACCCGTTTCAGCAAATCTATGGAAAACGCA[T>C]GGGCGGACTCCTGTTTATTCCTGCACTGATGGGAGAAATGTTCTGGGCTGCAGCAATTTT-3'
Protein context (NP_068587.1, residues 116-136): DPFQQIYGKR[Met126Thr]GGLLFIPALM